The following is an entry in ClinVar:

NM_001379200.1(TBX1):c.1112C>T (p.Pro371Leu)

Gene: TBX1 (T-box transcription factor 1; plus strand). Cytogenetic location: 22q11.21.
Variant type: single nucleotide variant.
Coding change: c.1112C>T on transcript NM_001379200.1 (MANE Select); coding-DNA position 1112, C replaced by T.
Protein change: p.Pro371Leu; replaces proline 371 with leucine.
Molecular consequence: missense variant. On other transcripts: intron variant (2).
Genome position (GRCh38, 1-based): chr22:19,766,464, C>T. VCF-style: chr22-19766464-C-T. GRCh37 (hg19) VCF-style: chr22-19753987-C-T.
Other names: c.1085C>T, p.Pro362Leu (NM_080647.1); c.1009+462C>T (NM_005992.1, NM_080646.2); short protein forms P362L, P371L.
Identifiers: ClinVar variation 2809472 (VCV002809472.3), dbSNP rs2517857617, ClinGen allele CA410684160.
Genomic context (GRCh38, chr22:19,766,464, plus strand): 5'-GGCGAGAATTCCAGCGCGACGCGGGCGGGCCAGCAGTGCTCGGGGACCCGGCGCATCCTC[C>T]GCAGCTGCTGGCCCGGGTGCTAAGCCCCTCGCTGCCCGGGGCCGGCGGCGCCGGCGGCTT-3'
Protein context (NP_001366129.1, residues 361-381): PAVLGDPAHP[Pro371Leu]QLLARVLSPS

ClinVar aggregate classification (germline): Uncertain significance (1 of 4 stars; one submission).

Conditions:
DiGeorge syndrome. Also called: THIRD AND FOURTH PHARYNGEAL POUCH SYNDROME; Catch22. Identifiers: Orphanet 567, MedGen C0012236, MONDO:0008564, OMIM 188400.

Allele frequency attached by ClinVar (database versions not stated): gnomAD exomes below 0.00001.
gnomAD v4.1: 1 of 1,328,826 alleles (0.000075%); highest among the groups gnomAD compares: Non-Finnish European, 0.000097%; no homozygotes.

Submission:

Labcorp Genetics (formerly Invitae), Labcorp
Classification: Uncertain significance for DiGeorge syndrome. Last evaluated: 2023-12-18. Review status: criteria provided, single submitter. Criteria: Invitae Variant Classification Sherloc (09022015). Collection method: clinical testing. Allele origin: germline.
Comment: This sequence change replaces proline, which is neutral and non-polar, with leucine, which is neutral and non-polar, at codon 362 of the TBX1 protein (p.Pro362Leu). This variant is not present in population databases (gnomAD no frequency). This variant has not been reported in the literature in individuals affected with TBX1-related conditions. An algorithm developed to predict the effect of missense changes on protein structure and function (PolyPhen-2) suggests that this variant is likely to be tolerated. In summary, the available evidence is currently insufficient to determine the role of this variant in disease. Therefore, it has been classified as a Variant of Uncertain Significance.